The following is an entry in ClinVar:

NM_017934.7(PHIP):c.1363A>G (p.Thr455Ala)

Gene: PHIP (PHIP subunit of CUL4-Ring ligase complex; minus strand). Cytogenetic location: 6q14.1.
Variant type: single nucleotide variant.
Coding change: c.1363A>G on transcript NM_017934.7 (MANE Select); coding-DNA position 1363, A replaced by G.
Protein change: p.Thr455Ala; replaces threonine 455 with alanine.
Molecular consequence: missense variant.
Genome position (GRCh38, 1-based): chr6:79,015,656, T>C on the plus strand (A>G on the coding strand, the complement: PHIP is on the minus strand). VCF-style: chr6-79015656-T-C. GRCh37 (hg19) VCF-style: chr6-79725373-T-C.
Other names: short protein forms T455A.
Identifiers: ClinVar variation 3353558 (VCV003353558.2).

ClinVar aggregate classification (germline): Uncertain significance. Review status: criteria provided, single submitter (1 of 4 stars). 2 submissions from 2 submitters: Uncertain significance (1). 1 of the submissions does not count toward it. Last evaluated 2025-05-26.

Conditions:
PHIP-related disorder. Also called: PHIP-related condition; PHIP-related disorders.

gnomAD v4.1: 7 of 1,607,568 alleles (0.00044%); highest among the groups gnomAD compares: Admixed American, 0.0017%; no homozygotes.

Submissions (2):

Labcorp Genetics (formerly Invitae), Labcorp
Classification: Uncertain significance. Last evaluated: 2025-05-26. Review status: criteria provided, single submitter. Criteria: Invitae Variant Classification Sherloc (09022015). Collection method: clinical testing. Allele origin: germline.
Comment: This sequence change replaces threonine, which is neutral and polar, with alanine, which is neutral and non-polar, at codon 455 of the PHIP protein (p.Thr455Ala). This variant is not present in population databases (gnomAD no frequency). This variant has not been reported in the literature in individuals affected with PHIP-related conditions. ClinVar contains an entry for this variant (Variation ID: 3353558). Invitae Evidence Modeling of protein sequence and biophysical properties (such as structural, functional, and spatial information, amino acid conservation, physicochemical variation, residue mobility, and thermodynamic stability) has been performed for this missense variant. However, the output from this modeling did not meet the statistical confidence thresholds required to predict the impact of this variant on PHIP protein function. In summary, the available evidence is currently insufficient to determine the role of this variant in disease. Therefore, it has been classified as a Variant of Uncertain Significance.

PreventionGenetics, part of Exact Sciences
Classification: Uncertain significance for PHIP-related condition. Last evaluated: 2024-01-26. Review status: no assertion criteria provided. Collection method: clinical testing. Allele origin: germline. Not counted in ClinVar's aggregate classification.
Comment: The PHIP c.1363A>G variant is predicted to result in the amino acid substitution p.Thr455Ala. To our knowledge, this variant has not been reported in the literature or in a large population database, indicating this variant is rare. At this time, the clinical significance of this variant is uncertain due to the absence of conclusive functional and genetic evidence.